The following is an entry in ClinVar:

NM_014639.4(SKIC3):c.60_63del (p.Lys20fs)

Gene: SKIC3 (SKI3 subunit of superkiller complex; minus strand). Cytogenetic location: 5q15.
Variant type: Deletion.
Coding change: c.60_63del on transcript NM_014639.4 (MANE Select); coding-DNA positions 60 to 63, 4 bases deleted (AGAA; older notation c.60_63delAGAA).
Protein change: p.Lys20fs; shifts the reading frame from lysine 20.
Molecular consequence: frameshift variant.
Genome position (GRCh38, 1-based): chr5:95,547,088-95,547,091, TTCT deleted on the plus strand (AGAA on the coding strand, the reverse complement: SKIC3 is on the minus strand); deleting any 4 consecutive bases within chr5:95,547,088-95,547,093 gives the same sequence; the c. name uses the placement nearest the transcript's 3' end. VCF-style (leftmost placement, unchanged base first): chr5-95547087-ATTCT-A. GRCh37 (hg19) VCF-style: chr5-94882791-ATTCT-A.
Other names: short protein forms K20fs.
Identifiers: ClinVar variation 1965292 (VCV001965292.5), dbSNP rs2530815139, ClinGen allele CA2578377787.

ClinVar aggregate classification (germline): Pathogenic (1 of 4 stars; one submission).

Submission:

Labcorp Genetics (formerly Invitae), Labcorp
Classification: Pathogenic. Last evaluated: 2022-02-08. Review status: criteria provided, single submitter. Criteria: Invitae Variant Classification Sherloc (09022015). Collection method: clinical testing. Allele origin: germline.
Comment: For these reasons, this variant has been classified as Pathogenic. This sequence change creates a premature translational stop signal (p.Lys20Asnfs*6) in the TTC37 gene. It is expected to result in an absent or disrupted protein product. Loss-of-function variants in TTC37 are known to be pathogenic (PMID: 20176027, 21120949). This variant is not present in population databases (gnomAD no frequency). This variant has not been reported in the literature in individuals affected with TTC37-related conditions.

Literature cited by the submitters: PubMed 20176027; PubMed 21120949.